The following is an entry in ClinVar:

ClinVar aggregate classification (germline): Uncertain significance (1 of 4 stars; one submission).

Conditions:
Familial sleep-related hypermotor epilepsy. Also called: Autosomal Dominant Sleep-Related Hypermotor (Hyperkinetic) Epilepsy. Identifiers: Orphanet 98784, MedGen C3696898, MONDO:0000030.

Submission:

Labcorp Genetics (formerly Invitae), Labcorp
Classification: Uncertain significance. Last evaluated: 2024-03-03. Review status: criteria provided, single submitter. Criteria: Invitae Variant Classification Sherloc (09022015). Collection method: clinical testing. Allele origin: germline.
Comment: This sequence change replaces threonine, which is neutral and polar, with proline, which is neutral and non-polar, at codon 474 of the CHRNB2 protein (p.Thr474Pro). This variant is not present in population databases (gnomAD no frequency). This variant has not been reported in the literature in individuals affected with CHRNB2-related conditions. Advanced modeling of protein sequence and biophysical properties (such as structural, functional, and spatial information, amino acid conservation, physicochemical variation, residue mobility, and thermodynamic stability) performed at Invitae indicates that this missense variant is expected to disrupt CHRNB2 protein function with a positive predictive value of 80%. In summary, the available evidence is currently insufficient to determine the role of this variant in disease. Therefore, it has been classified as a Variant of Uncertain Significance.

NM_000748.3(CHRNB2):c.1420A>C (p.Thr474Pro)

Gene: CHRNB2 (cholinergic receptor nicotinic beta 2 subunit; plus strand). Cytogenetic location: 1q21.3.
Variant type: single nucleotide variant.
Coding change: c.1420A>C on transcript NM_000748.3 (MANE Select); coding-DNA position 1420, A replaced by C.
Protein change: p.Thr474Pro; replaces threonine 474 with proline.
Molecular consequence: missense variant.
Genome position (GRCh38, 1-based): chr1:154,575,843, A>C. VCF-style: chr1-154575843-A-C. GRCh37 (hg19) VCF-style: chr1-154548319-A-C.
Other names: short protein forms T474P.
Identifiers: ClinVar variation 3644311 (VCV003644311.2).